The following is an entry in ClinVar:

ClinVar aggregate classification (germline): Uncertain significance (1 of 4 stars; one submission).

Submission:

Ambry Genetics
Classification: Uncertain significance. Last evaluated: 2021-08-31. Review status: criteria provided, single submitter. Criteria: Ambry Variant Classification Scheme 2023. Collection method: clinical testing. Allele origin: germline.
Comment: The p.Q231E variant (also known as c.691C>G), located in coding exon 8 of the SLMAP gene, results from a C to G substitution at nucleotide position 691. The glutamine at codon 231 is replaced by glutamic acid, an amino acid with highly similar properties. This amino acid position is conserved. In addition, the in silico prediction for this alteration is inconclusive. Since supporting evidence is limited at this time, the clinical significance of this alteration remains unclear.

NM_001377540.1(SLMAP):c.691C>G (p.Gln231Glu)

Gene: SLMAP (sarcolemma associated protein; plus strand). Cytogenetic location: 3p14.3.
Variant type: single nucleotide variant.
Coding change: c.691C>G on transcript NM_001377540.1 (MANE Select); coding-DNA position 691, C replaced by G.
Protein change: p.Gln231Glu; replaces glutamine 231 with glutamic acid.
Molecular consequence: missense variant. On other transcripts: non-coding transcript variant (1).
Genome position (GRCh38, 1-based): chr3:57,860,702, C>G. VCF-style: chr3-57860702-C-G. GRCh37 (hg19) VCF-style: chr3-57846429-C-G.
Other names: c.691C>G, p.Gln231Glu (NM_001304420.3, NM_001304421.2, NM_001377538.1 and 17 more transcripts); short protein forms Q231E.
Identifiers: ClinVar variation 1756155 (VCV001756155.2), dbSNP rs2473372413, ClinGen allele CA353407465.